The following is an entry in ClinVar:

NM_177438.3(DICER1):c.4856T>C (p.Val1619Ala)

Gene: DICER1 (dicer 1, ribonuclease III; minus strand). Cytogenetic location: 14q32.13.
Variant type: single nucleotide variant.
Coding change: c.4856T>C on transcript NM_177438.3 (MANE Select); coding-DNA position 4856, T replaced by C.
Protein change: p.Val1619Ala; replaces valine 1619 with alanine.
Molecular consequence: missense variant. On other transcripts: non-coding transcript variant (6).
Genome position (GRCh38, 1-based): chr14:95,096,064, A>G on the plus strand (T>C on the coding strand, the complement: DICER1 is on the minus strand). VCF-style: chr14-95096064-A-G. GRCh37 (hg19) VCF-style: chr14-95562401-A-G.
Other names: c.4856T>C, p.Val1619Ala (NM_001195573.1, NM_001271282.3, NM_001291628.2 and 13 more transcripts); c.4574T>C, p.Val1525Ala (NM_001395686.1); c.4451T>C, p.Val1484Ala (NM_001395687.1, NM_001395688.1, NM_001395689.1 and 2 more transcripts); c.4289T>C, p.Val1430Ala (NM_001395691.1); c.3173T>C, p.Val1058Ala (NM_001395697.1); short protein forms V1430A, V1619A, V1484A, V1058A, V1525A.
Identifiers: ClinVar variation 1994474 (VCV001994474.5), dbSNP rs2542483271, ClinGen allele CA390866711.

ClinVar aggregate classification (germline): Uncertain significance. Review status: criteria provided, multiple submitters, no conflicts (2 of 4 stars). 2 submissions from 2 submitters: Uncertain significance (2). Last evaluated 2025-05-01.

Conditions:
Hereditary cancer-predisposing syndrome. Also called: Hereditary Cancer Syndrome; Neoplastic Syndromes, Hereditary; Hereditary neoplastic syndrome; Tumor predisposition. Identifiers: Orphanet 140162, MedGen C0027672, MeSH D009386, MONDO:0015356.
DICER1-related tumor predisposition. Also called: DICER1 syndrome; DICER1-related pleuropulmonary blastoma cancer predisposition syndrome. Identifiers: Orphanet 284343, MedGen C3839822, MONDO:0100216.

Submissions (2):

Ambry Genetics
Classification: Uncertain significance for Hereditary cancer-predisposing syndrome. Last evaluated: 2025-05-01. Review status: criteria provided, single submitter. Criteria: Ambry Variant Classification Scheme 2023. Collection method: clinical testing. Allele origin: germline.
Comment: The p.V1619A variant (also known as c.4856T>C), located in coding exon 22 of the DICER1 gene, results from a T to C substitution at nucleotide position 4856. The valine at codon 1619 is replaced by alanine, an amino acid with similar properties. This amino acid position is conserved. In addition, this alteration is predicted to be tolerated by in silico analysis. Based on the available evidence, the clinical significance of this variant remains unclear.

Labcorp Genetics (formerly Invitae), Labcorp
Classification: Uncertain significance for DICER1-related tumor predisposition. Last evaluated: 2024-02-26. Review status: criteria provided, single submitter. Criteria: Invitae Variant Classification Sherloc (09022015). Collection method: clinical testing. Allele origin: germline.
Comment: This sequence change replaces valine, which is neutral and non-polar, with alanine, which is neutral and non-polar, at codon 1619 of the DICER1 protein (p.Val1619Ala). This variant is not present in population databases (gnomAD no frequency). This variant has not been reported in the literature in individuals affected with DICER1-related conditions. ClinVar contains an entry for this variant (Variation ID: 1994474). Algorithms developed to predict the effect of missense changes on protein structure and function output the following: SIFT: "Not Available"; PolyPhen-2: "Benign"; Align-GVGD: "Not Available". The alanine amino acid residue is found in multiple mammalian species, which suggests that this missense change does not adversely affect protein function. In summary, the available evidence is currently insufficient to determine the role of this variant in disease. Therefore, it has been classified as a Variant of Uncertain Significance.